The following is an entry in ClinVar:

ClinVar aggregate classification (germline): Conflicting classifications of pathogenicity. Review status: criteria provided, conflicting classifications (1 of 4 stars). 2 submissions from 2 submitters: Uncertain significance (1); Likely benign (1). Last evaluated 2026-01-19.

Conditions:
Immunodeficiency 51 (IMD51). Also called: CANDIDIASIS, FAMILIAL, 5. Identifiers: Orphanet 1334, MedGen C4310803, MONDO:0013500, OMIM 613953.

Allele frequency attached by ClinVar (database versions not stated): gnomAD exomes 0.00043; ExAC 0.00052; gnomAD 0.00163 and 0.00173; ESP Exome Variant Server 0.00185; TOPMed 0.00190; 1000 Genomes Project 0.00200; 1000 Genomes Project 30x 0.00219.
gnomAD v4.1: 503 of 1,610,746 alleles (0.031%); highest among the groups gnomAD compares: African/African-American, 0.58%; 3 homozygotes.

Submissions (2):

Labcorp Genetics (formerly Invitae), Labcorp
Classification: Likely benign for Immunodeficiency 51. Last evaluated: 2026-01-19. Review status: criteria provided, single submitter. Criteria: Invitae Variant Classification Sherloc (09022015). Collection method: clinical testing. Allele origin: germline.

Center for Genomics, Ann and Robert H. Lurie Children's Hospital of Chicago
Classification: Uncertain significance for Immunodeficiency 51. Last evaluated: 2021-03-30. Review status: criteria provided, single submitter. Criteria: ACMG Guidelines, 2015. Collection method: clinical testing. Allele origin: germline.
Comment: IL17RA NM_014339.6 exon 13 p.Thr498Ile (c.1493C>T): This variant has not been reported in the literature but is present in 0.5% (146/24748) of African alleles in the Genome Aggregation Database. This variant is present in ClinVar (Variation ID:476362). Evolutionary conservation suggests that this variant may not impact the protein; computational predictive tools for this variant are unclear. In summary, data on this variant is insufficient for disease classification. Therefore, the clinical significance of this variant is uncertain.

NM_014339.7(IL17RA):c.1493C>T (p.Thr498Ile)

Gene: IL17RA (interleukin 17 receptor A; plus strand). Cytogenetic location: 22q11.1.
Variant type: single nucleotide variant.
Coding change: c.1493C>T on transcript NM_014339.7 (MANE Select); coding-DNA position 1493, C replaced by T.
Protein change: p.Thr498Ile; replaces threonine 498 with isoleucine.
Molecular consequence: missense variant.
Genome position (GRCh38, 1-based): chr22:17,108,712, C>T. VCF-style: chr22-17108712-C-T. GRCh37 (hg19) VCF-style: chr22-17589602-C-T.
Other names: c.1391C>T, p.Thr464Ile (NM_001289905.2); short protein forms T498I, T464I.
Identifiers: ClinVar variation 476362 (VCV000476362.14), dbSNP rs41529049, ClinGen allele CA10086768.